The following is an entry in ClinVar:

ClinVar aggregate classification (germline): Uncertain significance (1 of 4 stars; one submission).

Conditions:
Hereditary breast ovarian cancer syndrome. Also called: Hereditary breast and ovarian cancer syndrome; Hereditary breast and ovarian cancer syndrome (HBOC); BRCA1- and BRCA2-Associated Hereditary Breast and Ovarian Cancer; Hereditary breast and ovarian cancer; Breast and ovarian cancer; Hereditary breast and/or ovarian cancer syndrome. Identifiers: Orphanet 145, MedGen C0677776, MeSH D061325, MONDO:0003582. Disease mechanism: loss of function.

Submission:

Labcorp Genetics (formerly Invitae), Labcorp
Classification: Uncertain significance for Hereditary breast ovarian cancer syndrome. Last evaluated: 2024-05-15. Review status: criteria provided, single submitter. Criteria: Invitae Variant Classification Sherloc (09022015). Collection method: clinical testing. Allele origin: germline.
Comment: This sequence change replaces glutamine, which is neutral and polar, with histidine, which is basic and polar, at codon 1994 of the BRCA2 protein (p.Gln1994His). This variant is not present in population databases (gnomAD no frequency). This variant has not been reported in the literature in individuals affected with BRCA2-related conditions. Advanced modeling of protein sequence and biophysical properties (such as structural, functional, and spatial information, amino acid conservation, physicochemical variation, residue mobility, and thermodynamic stability) performed at Invitae indicates that this missense variant is not expected to disrupt BRCA2 protein function with a negative predictive value of 95%. In summary, the available evidence is currently insufficient to determine the role of this variant in disease. Therefore, it has been classified as a Variant of Uncertain Significance.

NM_000059.4(BRCA2):c.5982A>C (p.Gln1994His)

Gene: BRCA2 (BRCA2 DNA repair associated; plus strand). Cytogenetic location: 13q13.1.
Variant type: single nucleotide variant.
Coding change: c.5982A>C on transcript NM_000059.4 (MANE Select); coding-DNA position 5982, A replaced by C.
Protein change: p.Gln1994His; replaces glutamine 1994 with histidine.
Molecular consequence: missense variant. On other transcripts: non-coding transcript variant (1), intron variant (2).
Genome position (GRCh38, 1-based): chr13:32,340,337, A>C. VCF-style: chr13-32340337-A-C. GRCh37 (hg19) VCF-style: chr13-32914474-A-C.
Other names: c.5982A>C, p.Gln1994His (NM_001406720.1, NM_001406719.1, NM_001432077.1); c.1910-4221A>C (NM_001406721.1); c.425-4221A>C (NM_001406722.1); short protein forms Q1994H.
Identifiers: ClinVar variation 3636503 (VCV003636503.2).